The following is an entry in ClinVar:

ClinVar aggregate classification (germline): Pathogenic/Likely pathogenic. Review status: criteria provided, multiple submitters, no conflicts (2 of 4 stars). 3 submissions from 3 submitters: Pathogenic (2); Likely pathogenic (1). Last evaluated 2025-11-04.

Conditions:
UROD-related disorder. Also called: UROD-related condition; UROD-related disorders.

Submissions (3):

PreventionGenetics, part of Exact Sciences
Classification: Likely pathogenic for UROD-related condition. Last evaluated: 2025-11-04. Review status: criteria provided, single submitter. Criteria: ACMG Guidelines, 2015. Collection method: clinical testing. Allele origin: germline.
Comment: The UROD c.651dupT variant is predicted to result in premature protein termination (p.Glu218*). This variant was reported in association with porphyria cutanea tarda (reported as Glu218insT, Phillips et al. 2001. PubMed ID: 11719352). This variant is reported in 0.014% of alleles in individuals of Latino descent in gnomAD. Nonsense variants in UROD are expected to be pathogenic. This variant is interpreted as likely pathogenic.

Labcorp Genetics (formerly Invitae), Labcorp
Classification: Pathogenic. Last evaluated: 2025-03-12. Review status: criteria provided, single submitter. Criteria: Invitae Variant Classification Sherloc (09022015). Collection method: clinical testing. Allele origin: germline.
Comment: This sequence change creates a premature translational stop signal (p.Glu218*) in the UROD gene. It is expected to result in an absent or disrupted protein product. Loss-of-function variants in UROD are known to be pathogenic (PMID: 1634232, 17240319, 19233912, 19419417, 23545314). This variant is present in population databases (no rsID available, gnomAD 0.01%). This variant has not been reported in the literature in individuals affected with UROD-related conditions. ClinVar contains an entry for this variant (Variation ID: 3063966). For these reasons, this variant has been classified as Pathogenic.

Women's Health and Genetics/Laboratory Corporation of America, LabCorp
Classification: Pathogenic for UROD-Related Disorders. Last evaluated: 2024-01-18. Review status: criteria provided, single submitter. Criteria: LabCorp Variant Classification Summary - May 2015. Collection method: clinical testing. Allele origin: germline.
Comment: Variant summary: UROD c.651dupT (p.Glu218X) results in a premature termination codon, predicted to cause a truncation of the encoded protein or absence of the protein due to nonsense mediated decay, which are commonly known mechanisms for disease. The variant allele was found at a frequency of 2e-05 in 251400 control chromosomes (gnomAD). c.651dupT has been reported in the literature in at-least one individual affected with porphyria cutanea tarda (example: Phillips_2001). The following publication has been ascertained in the context of this evaluation (PMID: 11719352). No submitters have cited clinical-significance assessments for this variant to ClinVar. Based on the evidence outlined above, the variant was classified as pathogenic.

Literature cited by the submitters: PubMed 1634232 (cited by Labcorp Genetics (formerly Invitae), Labcorp); PubMed 17240319 (cited by Labcorp Genetics (formerly Invitae), Labcorp); PubMed 19233912 (cited by Labcorp Genetics (formerly Invitae), Labcorp); PubMed 19419417 (cited by Labcorp Genetics (formerly Invitae), Labcorp); PubMed 23545314 (cited by Labcorp Genetics (formerly Invitae), Labcorp); PubMed 11719352 (cited by Women's Health and Genetics/Laboratory Corporation of America, LabCorp).

NM_000374.5(UROD):c.651dup (p.Glu218Ter)

Gene: UROD (uroporphyrinogen decarboxylase; plus strand). Cytogenetic location: 1p34.1.
Variant type: Duplication.
Coding change: c.651dup on transcript NM_000374.5 (MANE Select); coding-DNA position 651, one base duplicated (T; older notation c.651dupT).
Protein change: p.Glu218Ter; replaces glutamic acid 218 with a stop codon.
Molecular consequence: nonsense. On other transcripts: non-coding transcript variant (3).
Genome position (GRCh38, 1-based): chr1:45,014,453, T duplicated; the last of 3 consecutive T bases (chr1:45,014,451-45,014,453); duplicating any one gives the same sequence. VCF-style (leftmost placement, unchanged base first): chr1-45014450-G-GT. GRCh37 (hg19) VCF-style: chr1-45480122-G-GT.
Other names: c.651dupT (NM_000374.4, NM_000374.5); short protein forms E218*.
Identifiers: ClinVar variation 3063966 (VCV003063966.3), dbSNP rs1013135823, ClinGen allele CA21796138.